The following is an entry in ClinVar:

NM_145200.5(CABP4):c.625C>T (p.Arg209Ter)

Gene: CABP4 (calcium binding protein 4; plus strand). Cytogenetic location: 11q13.2.
Variant type: single nucleotide variant.
Coding change: c.625C>T on transcript NM_145200.5 (MANE Select); coding-DNA position 625, C replaced by T.
Protein change: p.Arg209Ter; replaces arginine 209 with a stop codon.
Molecular consequence: nonsense. On other transcripts: non-coding transcript variant (1).
Genome position (GRCh38, 1-based): chr11:67,457,656, C>T. VCF-style: chr11-67457656-C-T. GRCh37 (hg19) VCF-style: chr11-67225127-C-T.
Other names: c.310C>T, p.Arg104Ter (NM_001300895.3, NM_001300896.3, NM_001379183.1); c.625C>T (NM_145200.4); short protein forms R104*, R209*.
Identifiers: ClinVar variation 1452937 (VCV001452937.7), dbSNP rs779788706, ClinGen allele CA6140293.

ClinVar aggregate classification (germline): Pathogenic/Likely pathogenic. Review status: criteria provided, multiple submitters, no conflicts (2 of 4 stars). 2 submissions from 2 submitters: Pathogenic (1); Likely pathogenic (1). Last evaluated 2023-08-25.

Conditions:
Cone-rod synaptic disorder, congenital nonprogressive. Also called: NIGHT BLINDNESS, CONGENITAL STATIONARY, INCOMPLETE, AUTOSOMAL RECESSIVE. Identifiers: Orphanet 215, MedGen C4041558, MONDO:0012490, OMIM 610427.

Allele frequency attached by ClinVar (database versions not stated): TOPMed below 0.00001; ExAC 0.00004.

Submissions (2):

Labcorp Genetics (formerly Invitae), Labcorp
Classification: Pathogenic. Last evaluated: 2023-08-25. Review status: criteria provided, single submitter. Criteria: Invitae Variant Classification Sherloc (09022015). Collection method: clinical testing. Allele origin: germline.
Comment: This variant has not been reported in the literature in individuals affected with CABP4-related conditions. The frequency data for this variant in the population databases is considered unreliable, as metrics indicate poor data quality at this position in the gnomAD database. This sequence change creates a premature translational stop signal (p.Arg209*) in the CABP4 gene. It is expected to result in an absent or disrupted protein product. Loss-of-function variants in CABP4 are known to be pathogenic (PMID: 25307992). ClinVar contains an entry for this variant (Variation ID: 1452937). For these reasons, this variant has been classified as Pathogenic.

Greenwood Genetic Center Diagnostic Laboratories, Greenwood Genetic Center
Classification: Likely pathogenic for Cone-rod synaptic disorder, congenital nonprogressive. Last evaluated: 2023-08-02. Review status: criteria provided, single submitter. Criteria: ACMG Guidelines, 2015. Collection method: clinical testing. Allele origin: germline. Affected: yes.
Comment: PVS1, PM2

Literature cited by the submitters: PubMed 25307992 (cited by Labcorp Genetics (formerly Invitae), Labcorp).